The following is an entry in ClinVar:

ClinVar aggregate classification (germline): Pathogenic (1 of 4 stars; one submission).

Conditions:
Kleefstra syndrome 1 (KLEFS1). Identifiers: Orphanet 261494, MedGen C0795833, MONDO:0027407, OMIM 610253.

Submission:

Laboratory of Genetics, Children's Clinical University Hospital Latvia
Classification: Pathogenic for Kleefstra syndrome 1. Review status: criteria provided, single submitter. Criteria: ACMG Guidelines, 2015. Collection method: curation. Allele origin: de novo. Affected: yes.
Comment: de novo

Literature cited by the submitters: PubMed 39013458.

NM_024757.5(EHMT1):c.2197A>T (p.Lys733Ter)

Gene: EHMT1 (euchromatic histone lysine methyltransferase 1; plus strand). Cytogenetic location: 9q34.3.
Variant type: single nucleotide variant.
Coding change: c.2197A>T on transcript NM_024757.5 (MANE Select); coding-DNA position 2197, A replaced by T.
Protein change: p.Lys733Ter; replaces lysine 733 with a stop codon.
Molecular consequence: nonsense.
Genome position (GRCh38, 1-based): chr9:137,779,639, A>T. VCF-style: chr9-137779639-A-T. GRCh37 (hg19) VCF-style: chr9-140674091-A-T.
Other names: c.2197A>T, p.Lys733Ter (NM_001145527.2); c.2104A>T, p.Lys702Ter (NM_001354259.2); c.2176A>T, p.Lys726Ter (NM_001354263.2); short protein forms K702*, K726*, K733*.
Identifiers: ClinVar variation 3236890 (VCV003236890.1).
Genomic context (GRCh38, chr9:137,779,639, plus strand): 5'-GCTTCATGTGTGGGATGCAGAGCCCCATGCTGACTGTTGTCTTGTGCTTCCCACAGACCC[A>T]AGAAGCTTCGCTTCCACCCAAAGCAGCTGTACTTCTCCGCCAGGCAAGGGGAGCTTCAGA-3'